The following is an entry in ClinVar:

NM_001943.5(DSG2):c.1990C>G (p.Pro664Ala)

Gene: DSG2 (desmoglein 2; plus strand). Cytogenetic location: 18q12.1.
Variant type: single nucleotide variant.
Coding change: c.1990C>G on transcript NM_001943.5 (MANE Select); coding-DNA position 1990, C replaced by G.
Protein change: p.Pro664Ala; replaces proline 664 with alanine.
Molecular consequence: missense variant.
Genome position (GRCh38, 1-based): chr18:31,541,303, C>G. VCF-style: chr18-31541303-C-G. GRCh37 (hg19) VCF-style: chr18-29121266-C-G.
Other names: short protein forms P664A.
Identifiers: ClinVar variation 3075217 (VCV003075217.1), dbSNP rs2510920033, ClinGen allele CA402139902.

ClinVar aggregate classification (germline): Uncertain significance (1 of 4 stars; one submission).

Conditions:
Arrhythmogenic right ventricular cardiomyopathy (ARVD). Also called: Arrhythmogenic right ventricular dysplasia; Cardiomyopathy, ARVC; Arrhythmogenic cardiomyopathy; Arrhythmogenic Right Ventricular Cardiomyopathy (ARVC). Identifiers: Orphanet 247, MedGen C0349788, MeSH D019571, MONDO:0016587. Disease mechanism: loss of function. Inheritance: Various modes of inheritance.

Submission:

All of Us Research Program, National Institutes of Health
Classification: Uncertain significance for Arrhythmogenic right ventricular cardiomyopathy. Last evaluated: 2024-01-11. Review status: criteria provided, single submitter. Criteria: ACMG Guidelines, 2015. Collection method: clinical testing. Allele origin: germline. Inheritance: Autosomal dominant inheritance. Observed: 1 variant allele, 1 heterozygote.
Comment: This study involves interpretation of variants in research participants for the purpose of population health screening. Participant phenotype was not available at the time of variant classification. Additional details can be found in publication PMID: 35346344, PMCID: PMC8962531